The following is an entry in ClinVar:

ClinVar aggregate classification (germline): Uncertain significance (1 of 4 stars; one submission).

Conditions:
Inborn genetic diseases. Identifiers: MedGen C0950123, MeSH D030342.

Submission:

Ambry Genetics
Classification: Uncertain significance for Inborn genetic diseases. Last evaluated: 2025-04-20. Review status: criteria provided, single submitter. Criteria: Ambry Variant Classification Scheme 2023. Collection method: clinical testing. Allele origin: germline.
Comment: The p.G54D variant (also known as c.161G>A), located in coding exon 1 of the CEBPA gene, results from a G to A substitution at nucleotide position 161. The glycine at codon 54 is replaced by aspartic acid, an amino acid with similar properties. This amino acid position is conserved. In addition, this alteration is predicted to be tolerated by in silico analysis. Based on the available evidence, the clinical significance of this variant remains unclear.

NM_004364.5(CEBPA):c.161G>A (p.Gly54Asp)

Gene: CEBPA (CCAAT enhancer binding protein alpha; minus strand). Cytogenetic location: 19q13.11.
Variant type: single nucleotide variant.
Coding change: c.161G>A on transcript NM_004364.5 (MANE Select); coding-DNA position 161, G replaced by A.
Protein change: p.Gly54Asp; replaces glycine 54 with aspartic acid.
Molecular consequence: missense variant. On other transcripts: 5 prime UTR variant (1).
Genome position (GRCh38, 1-based): chr19:33,302,254, C>T on the plus strand (G>A on the coding strand, the complement: CEBPA is on the minus strand). VCF-style: chr19-33302254-C-T. GRCh37 (hg19) VCF-style: chr19-33793160-C-T.
Other names: c.-197G>A (NM_001285829.2); c.266G>A, p.Gly89Asp (NM_001287424.2); c.119G>A, p.Gly40Asp (NM_001287435.2); short protein forms G40D, G54D, G89D.
Identifiers: ClinVar variation 3999998 (VCV003999998.1).